The following is an entry in ClinVar:

ClinVar aggregate classification (germline): Pathogenic (1 of 4 stars; one submission).

Conditions:
Joubert syndrome. Also called: CEREBELLOPARENCHYMAL DISORDER IV; JOUBERT-BOLTSHAUSER SYNDROME; Familial aplasia of the vermis. Identifiers: Orphanet 475, MedGen C5979921, MONDO:0018772.
Orofaciodigital syndrome I (OFD1). Also called: OFDS I; Papillon-Leage and Psaume Syndrome; Oral-Facial-Digital Syndrome Type I. Identifiers: Orphanet 2750, MedGen C1510460, MONDO:0010702, OMIM 311200.

Submission:

Labcorp Genetics (formerly Invitae), Labcorp
Classification: Pathogenic for Orofaciodigital syndrome I; Joubert syndrome. Last evaluated: 2024-08-27. Review status: criteria provided, single submitter. Criteria: Invitae Variant Classification Sherloc (09022015). Collection method: clinical testing. Allele origin: germline.
Comment: This sequence change creates a premature translational stop signal (p.Leu53*) in the OFD1 gene. It is expected to result in an absent or disrupted protein product. Loss-of-function variants in OFD1 are known to be pathogenic (PMID: 16783569, 18546297, 27081566). This variant is not present in population databases (gnomAD no frequency). This variant has not been reported in the literature in individuals affected with OFD1-related conditions. Algorithms developed to predict the effect of sequence changes on RNA splicing suggest that this variant may disrupt the consensus splice site. For these reasons, this variant has been classified as Pathogenic.

Literature cited by the submitters: PubMed 16783569; PubMed 18546297; PubMed 27081566.

NM_003611.3(OFD1):c.158del (p.Val52_Leu53insTer)

Gene: OFD1 (OFD1 centriole and centriolar satellite protein; plus strand). Cytogenetic location: Xp22.2.
Variant type: Deletion.
Coding change: c.158del on transcript NM_003611.3 (MANE Select); coding-DNA position 158, one base deleted (T; older notation c.158delT).
Protein change: p.Val52_Leu53insTer.
Molecular consequence: nonsense. On other transcripts: 5 prime UTR variant (1).
Genome position (GRCh38, 1-based): chrX:13,736,524, T deleted; the last of 2 consecutive T bases (chrX:13,736,523-13,736,524); deleting either gives the same sequence. VCF-style (leftmost placement, unchanged base first): chrX-13736522-AT-A. GRCh37 (hg19) VCF-style: chrX-13754641-AT-A.
Other names: c.158del, p.Val52_Leu53insTer (NM_001330209.2); c.-388del (NM_001330210.2).
Identifiers: ClinVar variation 3757835 (VCV003757835.2).
Genomic context (GRCh38, chrX:13,736,522, plus strand): 5'-TTTTATTTTATGCTAGACACAACTTCGAAACCAGCTAATTCATGAGTTGATGCACCCTGT[AT>A]TGAGTGGAGAACTGCAGCCTCGGTCCATTTCAGTAGAAGGGAGCTCCCTCTTAATAGGCG-3'